The following is an entry in ClinVar:

NM_004517.4(ILK):c.529C>T (p.Pro177Ser)

Genes: ILK (integrin linked kinase; plus strand), TAF10 (TATA-box binding protein associated factor 10; minus strand). Cytogenetic location: 11p15.4.
Variant type: single nucleotide variant.
Coding change: c.529C>T on transcript NM_004517.4 (MANE Select); coding-DNA position 529, C replaced by T.
Protein change: p.Pro177Ser; replaces proline 177 with serine.
Molecular consequence: missense variant. On other transcripts: synonymous variant (1), 3 prime UTR variant (1).
Genome position (GRCh38, 1-based): chr11:6,608,964, C>T. VCF-style: chr11-6608964-C-T. GRCh37 (hg19) VCF-style: chr11-6630195-C-T.
Other names: c.529C>T, p.Pro177Ser (NM_001014794.3, NM_001014795.3); c.432C>T, p.Gly144= (NM_001278441.2); c.127C>T, p.Pro43Ser (NM_001278442.2); c.*1958G>A (NM_006284.4); short protein forms P177S, P43S.
Identifiers: ClinVar variation 2744716 (VCV002744716.3), dbSNP rs2493768502, ClinGen allele CA379460216.

ClinVar aggregate classification (germline): Uncertain significance (1 of 4 stars; one submission).

Conditions:
Primary familial hypertrophic cardiomyopathy (HCM). Identifiers: Orphanet 99739, MedGen C0949658, MeSH D024741, MONDO:0024573. Inheritance: Various modes of inheritance.

Submission:

Labcorp Genetics (formerly Invitae), Labcorp
Classification: Uncertain significance for Primary familial hypertrophic cardiomyopathy. Last evaluated: 2023-07-24. Review status: criteria provided, single submitter. Criteria: Invitae Variant Classification Sherloc (09022015). Collection method: clinical testing. Allele origin: germline.
Comment: In summary, the available evidence is currently insufficient to determine the role of this variant in disease. Therefore, it has been classified as a Variant of Uncertain Significance. An algorithm developed to predict the effect of missense changes on protein structure and function (PolyPhen-2) suggests that this variant is likely to be tolerated. This variant has not been reported in the literature in individuals affected with ILK-related conditions. This variant is not present in population databases (gnomAD no frequency). This sequence change replaces proline, which is neutral and non-polar, with serine, which is neutral and polar, at codon 177 of the ILK protein (p.Pro177Ser).